The following is an entry in ClinVar:

ClinVar aggregate classification (germline): Uncertain significance (1 of 4 stars; one submission).

Conditions:
Werner syndrome (WRN). Identifiers: Orphanet 902, MedGen C0043119, MONDO:0010196, OMIM 277700.

Allele frequency attached by ClinVar (database versions not stated): gnomAD exomes below 0.00001.
gnomAD v4.1: 4 of 1,613,660 alleles (0.00025%); highest among the groups gnomAD compares: Admixed American, 0.0017%; no homozygotes.

Submission:

Labcorp Genetics (formerly Invitae), Labcorp
Classification: Uncertain significance for Werner syndrome. Last evaluated: 2024-07-30. Review status: criteria provided, single submitter. Criteria: Invitae Variant Classification Sherloc (09022015). Collection method: clinical testing. Allele origin: germline.
Comment: This sequence change affects codon 274 of the WRN mRNA. It is a 'silent' change, meaning that it does not change the encoded amino acid sequence of the WRN protein. This variant is not present in population databases (gnomAD no frequency). This variant has not been reported in the literature in individuals affected with WRN-related conditions. ClinVar contains an entry for this variant (Variation ID: 648350). Algorithms developed to predict the effect of sequence changes on RNA splicing suggest that this variant may disrupt the consensus splice site. In summary, the available evidence is currently insufficient to determine the role of this variant in disease. Therefore, it has been classified as a Variant of Uncertain Significance.

NM_000553.6(WRN):c.822A>G (p.Lys274=)

Gene: WRN (WRN RecQ like helicase; plus strand). Cytogenetic location: 8p12.
Variant type: single nucleotide variant.
Coding change: c.822A>G on transcript NM_000553.6 (MANE Select); coding-DNA position 822, A replaced by G.
Protein change: p.Lys274=; no amino-acid change (lysine 274 retained).
Molecular consequence: synonymous variant.
Genome position (GRCh38, 1-based): chr8:31,076,270, A>G. VCF-style: chr8-31076270-A-G. GRCh37 (hg19) VCF-style: chr8-30933786-A-G.
Identifiers: ClinVar variation 648350 (VCV000648350.5), dbSNP rs1585421803, ClinGen allele CA460223968.